The following is an entry in ClinVar:

ClinVar aggregate classification (germline): Conflicting classifications of pathogenicity. Review status: criteria provided, conflicting classifications (1 of 4 stars). 2 submissions from 2 submitters: Uncertain significance (1); Likely benign (1). Last evaluated 2026-04-20.

Conditions:
Inborn genetic diseases. Identifiers: MedGen C0950123, MeSH D030342.
Neurodevelopmental disorder with hypotonia, facial dysmorphism, and brain abnormalities (NEDHFBA). Also called: EL-HATTAB-SCHMIDTS SYNDROME; PPP1R21-Related El-Hattab-Schmidts Syndrome. Identifiers: MedGen C5543591, MONDO:0859165, OMIM 619383.

gnomAD v4.1: 8 of 1,611,626 alleles (0.0005%); highest among the groups gnomAD compares: South Asian, 0.0066%; no homozygotes.

Submissions (2):

Centre for Medical Genetics,  Mumbai
Classification: Likely benign for Neurodevelopmental disorder with hypotonia, facial dysmorphism, and brain abnormalities. Last evaluated: 2026-04-20. Review status: criteria provided, single submitter. Criteria: ACMG Guidelines, 2015. Collection method: provider interpretation. Allele origin: germline. Inheritance: Autosomal recessive inheritance. Affected: no. Observed: 1 variant allele, 1 homozygote.
Comment: The variant satisfies PM2 criteria - extremely low frequency in gnomAD population databases. The variant satisfies BP4 criteria - for a missense or a splice region variant, computational prediction tools unanimously support a benign effect on the gene. However, the variant satisfies BS2 criteria - present in homozygous state in an individual that clinically does not have neurodevelopmental disorder with hypotonia, facial dysmorphism, and brain abnormalities.

Ambry Genetics
Classification: Uncertain significance for Inborn genetic diseases. Last evaluated: 2025-04-10. Review status: criteria provided, single submitter. Criteria: Ambry Variant Classification Scheme 2023. Collection method: clinical testing. Allele origin: germline.

Literature cited by the submitters: PubMed 29808498 (cited by Centre for Medical Genetics,  Mumbai).

NM_001135629.3(PPP1R21):c.2336G>A (p.Ser779Asn)

Gene: PPP1R21 (protein phosphatase 1 regulatory subunit 21; plus strand). Cytogenetic location: 2p16.3.
Variant type: single nucleotide variant.
Coding change: c.2336G>A on transcript NM_001135629.3 (MANE Select); coding-DNA position 2336, G replaced by A.
Protein change: p.Ser779Asn; replaces serine 779 with asparagine.
Molecular consequence: missense variant. On other transcripts: non-coding transcript variant (1).
Genome position (GRCh38, 1-based): chr2:48,514,737, G>A. VCF-style: chr2-48514737-G-A. GRCh37 (hg19) VCF-style: chr2-48741876-G-A.
Other names: c.2210G>A, p.Ser737Asn (NM_001193475.2); c.2303G>A, p.Ser768Asn (NM_152994.5); short protein forms S768N, S779N, S737N.
Identifiers: ClinVar variation 3937041 (VCV003937041.2).